The following is an entry in ClinVar:

NM_004068.4(AP2M1):c.565+5G>C

Gene: AP2M1 (adaptor related protein complex 2 subunit mu 1; plus strand). Cytogenetic location: 3q27.1.
Variant type: single nucleotide variant.
Coding change: c.565+5G>C on transcript NM_004068.4 (MANE Select); 5 bases into the intron after coding-DNA position 565, G replaced by C.
Molecular consequence: intron variant.
Genome position (GRCh38, 1-based): chr3:184,180,989, G>C. VCF-style: chr3-184180989-G-C. GRCh37 (hg19) VCF-style: chr3-183898777-G-C.
Other names: c.640+5G>C (NM_001311198.2); c.559+5G>C (NM_001025205.2).
Identifiers: ClinVar variation 2757244 (VCV002757244.3), dbSNP rs2473723699, ClinGen allele CA2668812965.
Genomic context (GRCh38, chr3:184,180,989, plus strand): 5'-GAATGAGCTCTTCCTGGATGTGCTGGAGAGTGTGAACCTGCTCATGTCCCCACAAGGTGA[G>C]GTCCCTCTCACGACAAAGTTGGAGGGGGCCCAGGGCAGGATCCTGGGCCTGCCTGCCTGA-3'

ClinVar aggregate classification (germline): Uncertain significance (1 of 4 stars; one submission).

Allele frequency attached by ClinVar (database versions not stated): gnomAD exomes below 0.00001.
gnomAD v4.1: 3 of 1,614,122 alleles (0.00019%); highest among the groups gnomAD compares: Non-Finnish European, 0.00025%; no homozygotes.

Submission:

Labcorp Genetics (formerly Invitae), Labcorp
Classification: Uncertain significance. Last evaluated: 2023-09-21. Review status: criteria provided, single submitter. Criteria: Invitae Variant Classification Sherloc (09022015). Collection method: clinical testing. Allele origin: germline.
Comment: This variant is not present in population databases (gnomAD no frequency). This sequence change falls in intron 6 of the AP2M1 gene. It does not directly change the encoded amino acid sequence of the AP2M1 protein. It affects a nucleotide within the consensus splice site. This variant has not been reported in the literature in individuals affected with AP2M1-related conditions. In summary, the available evidence is currently insufficient to determine the role of this variant in disease. Therefore, it has been classified as a Variant of Uncertain Significance. Variants that disrupt the consensus splice site are a relatively common cause of aberrant splicing (PMID: 17576681, 9536098). Algorithms developed to predict the effect of sequence changes on RNA splicing suggest that this variant is not likely to affect RNA splicing.

Literature cited by the submitters: PubMed 17576681; PubMed 9536098.